The following is an entry in ClinVar:

ClinVar aggregate classification (germline): Likely pathogenic (1 of 4 stars; one submission).

Conditions:
Pheochromocytoma/paraganglioma syndrome 5. Also called: Paragangliomas 5; SDHA-Related Hereditary Paraganglioma-Pheochromocytoma Syndrome. Identifiers: Orphanet 29072, MedGen C3279992, MONDO:0013602, OMIM 614165.

Submission:

Myriad Genetics, Inc.
Classification: Likely pathogenic for Pheochromocytoma/paraganglioma syndrome 5. Last evaluated: 2023-12-11. Review status: criteria provided, single submitter. Criteria: Myriad Autosomal Dominant, Autosomal Recessive and X-Linked Classification Criteria (2023). Collection method: clinical testing. Allele origin: unknown.
Comment: This variant is considered likely pathogenic. This variant occurs within a consensus splice junction and is predicted to result in abnormal mRNA splicing of either an out-of-frame exon or an in-frame exon necessary for protein stability and/or normal function.

NM_004168.4(SDHA):c.1664-16_1666del

Gene: SDHA (succinate dehydrogenase complex flavoprotein subunit A; plus strand). Cytogenetic location: 5p15.33.
Variant type: Deletion.
Coding change: c.1664-16_1666del on transcript NM_004168.4 (MANE Select); 16 bases into the intron before coding-DNA position 1664 through coding-DNA position 1666, 19 bases deleted (CTTTTTGTGTCCCCAGGAA).
Molecular consequence: splice acceptor variant. On other transcripts: intron variant (1).
Genome position (GRCh38, 1-based): chr5:251,322-251,340, CTTTTTGTGTCCCCAGGAA deleted; deleting any 19 consecutive bases within chr5:251,318-251,340 gives the same sequence; the c. name uses the placement nearest the transcript's 3' end. VCF-style (leftmost placement, unchanged base first): chr5-251317-TGGAACTTTTTGTGTCCCCA-T. GRCh37 (hg19) VCF-style: chr5-251432-TGGAACTTTTTGTGTCCCCA-T.
Other names: c.1552-3071_1552-3053del (NM_001330758.2); c.1520-16_1522del (NM_001294332.2).
Identifiers: ClinVar variation 2674026 (VCV002674026.1), dbSNP rs2477457298, ClinGen allele CA2695198571.